The following is an entry in ClinVar:

ClinVar aggregate classification (germline): Uncertain significance (1 of 4 stars; one submission).

Conditions:
Cystic fibrosis (CF). Also called: MUCOVISCIDOSIS. Identifiers: Orphanet 586, MedGen C0010674, MONDO:0009061, OMIM 219700. Disease mechanism: loss of function.

Allele frequency attached by ClinVar (database versions not stated): gnomAD exomes 0.00001.
gnomAD v4.1: 9 of 1,613,922 alleles (0.00056%); highest among the groups gnomAD compares: East Asian, 0.0022%; no homozygotes.

Submission:

Ambry Genetics
Classification: Uncertain significance for Cystic fibrosis. Last evaluated: 2023-09-01. Review status: criteria provided, single submitter. Criteria: Ambry Variant Classification Scheme 2023. Collection method: clinical testing. Allele origin: germline.
Comment: The p.V1447M variant (also known as c.4339G>A), located in coding exon 27 of the CFTR gene, results from a G to A substitution at nucleotide position 4339. The valine at codon 1447 is replaced by methionine, an amino acid with highly similar properties. This amino acid position is conserved. In addition, this alteration is predicted to be tolerated by in silico analysis. Since supporting evidence is limited at this time, the clinical significance of this alteration remains unclear.

NM_000492.4(CFTR):c.4339G>A (p.Val1447Met)

Genes: CFTR (CF transmembrane conductance regulator; plus strand), LOC111674477 (CFTR intron 23 enhancer; plus strand). Cytogenetic location: 7q31.2.
Variant type: single nucleotide variant.
Coding change: c.4339G>A on transcript NM_000492.4 (MANE Select); coding-DNA position 4339, G replaced by A.
Protein change: p.Val1447Met; replaces valine 1447 with methionine.
Molecular consequence: missense variant.
Genome position (GRCh38, 1-based): chr7:117,667,004, G>A. VCF-style: chr7-117667004-G-A. GRCh37 (hg19) VCF-style: chr7-117307058-G-A.
Other names: short protein forms V1447M.
Identifiers: ClinVar variation 2624953 (VCV002624953.2), dbSNP rs2485185731, ClinGen allele CA368984989.